The following is an entry in ClinVar:

ClinVar aggregate classification (germline): Pathogenic/Likely pathogenic. Review status: criteria provided, multiple submitters, no conflicts (2 of 4 stars). 2 submissions from 2 submitters: Pathogenic (1); Likely pathogenic (1). Last evaluated 2025-06-23.

Conditions:
Charcot-Marie-Tooth disease, type IA (CMT1A). Also called: CHARCOT-MARIE-TOOTH DISEASE, DEMYELINATING, TYPE 1A; Charcot-Marie-Tooth disease type 1A; CMT 1A; Hereditary motor and sensory neuropathy 1A; HMSN 1A; CHARCOT-MARIE-TOOTH DISEASE, AUTOSOMAL DOMINANT, WITH FOCALLY FOLDED MYELIN SHEATHS, TYPE 1A. Identifiers: Orphanet 101081, MedGen C0270911, MONDO:0007309, OMIM 118220.
Charcot-Marie-Tooth disease, type I (CMT1). Also called: Charcot-Marie-Tooth, Type 1; Charcot-Marie-Tooth disease type 1. Identifiers: Orphanet 65753, MedGen C0751036, MONDO:0019011.

Submissions (2):

Labcorp Genetics (formerly Invitae), Labcorp
Classification: Pathogenic for Charcot-Marie-Tooth disease, type I. Last evaluated: 2025-06-23. Review status: criteria provided, single submitter. Criteria: Invitae Variant Classification Sherloc (09022015). Collection method: clinical testing. Allele origin: germline.
Comment: This sequence change replaces threonine, which is neutral and polar, with lysine, which is basic and polar, at codon 23 of the PMP22 protein (p.Thr23Lys). This variant is not present in population databases (gnomAD no frequency). This missense change has been observed in individual(s) with clinical features of PMP22-related conditions (internal data). In at least one individual the variant was observed to be de novo. ClinVar contains an entry for this variant (Variation ID: 1349839). Invitae Evidence Modeling of protein sequence and biophysical properties (such as structural, functional, and spatial information, amino acid conservation, physicochemical variation, residue mobility, and thermodynamic stability) indicates that this missense variant is expected to disrupt PMP22 protein function with a positive predictive value of 95%. This variant disrupts the p.Thr23 amino acid residue in PMP22. Other variant(s) that disrupt this residue have been determined to be pathogenic (PMID: 15099592, 23263778; internal data). This suggests that this residue is clinically significant, and that variants that disrupt this residue are likely to be disease-causing. For these reasons, this variant has been classified as Pathogenic.

Kariminejad - Najmabadi Pathology & Genetics Center
Classification: Likely pathogenic for Charcot-Marie-Tooth disease, type IA. Last evaluated: 2023-10-16. Review status: criteria provided, single submitter. Criteria: ACMG Guidelines, 2015. Collection method: clinical testing. Allele origin: germline. Inheritance: Autosomal dominant inheritance. Affected: yes.
Comment: PM1,PM2,PM5,PP3,PP5

Literature cited by the submitters: PubMed 15099592 (cited by Labcorp Genetics (formerly Invitae), Labcorp); PubMed 23263778 (cited by Labcorp Genetics (formerly Invitae), Labcorp).

NM_000304.4(PMP22):c.68C>A (p.Thr23Lys)

Gene: PMP22 (peripheral myelin protein 22; minus strand). Cytogenetic location: 17p12.
Variant type: single nucleotide variant.
Coding change: c.68C>A on transcript NM_000304.4 (MANE Select); coding-DNA position 68, C replaced by A.
Protein change: p.Thr23Lys; replaces threonine 23 with lysine.
Molecular consequence: missense variant.
Genome position (GRCh38, 1-based): chr17:15,260,660, G>T on the plus strand (C>A on the coding strand, the complement: PMP22 is on the minus strand). VCF-style: chr17-15260660-G-T. GRCh37 (hg19) VCF-style: chr17-15163977-G-T.
Other names: c.68C>A, p.Thr23Lys (NM_001281455.2, NM_001281456.2, NM_001330143.2 and 2 more transcripts); short protein forms T23K.
Identifiers: ClinVar variation 1349839 (VCV001349839.9), dbSNP rs906563423, ClinGen allele CA288109904.
Genomic context (GRCh38, chr17:15,260,660, plus strand): 5'-CAGATGGGGAAGGGCGGGCCGCGCAGGGAGCCTCCCCGCCAGGCACTCACGCTGACGATC[G>T]TGGAGACGAACAGCAGCACCAGCACCGCGACGTGGAGGACGATGATACTCAGCAACAGGA-3'
Protein context (NP_000295.1, residues 13-33): VAVLVLLFVS[Thr23Lys]IVSQWIVGNG